The following is an entry in ClinVar:

ClinVar aggregate classification (germline): Uncertain significance (1 of 4 stars; one submission).

Submission:

CeGaT Center for Human Genetics Tuebingen
Classification: Uncertain significance. Last evaluated: 2024-12-01. Review status: criteria provided, single submitter. Criteria: CeGaT Center For Human Genetics Tuebingen Variant Classification Criteria Version 2. Collection method: clinical testing. Allele origin: germline. Affected: yes. Observed: 1 variant allele.
Comment: IL1RAPL2: PM2

NM_017416.2(IL1RAPL2):c.82+2T>C

Gene: IL1RAPL2 (interleukin 1 receptor accessory protein like 2; plus strand). Cytogenetic location: Xq22.3.
Variant type: single nucleotide variant.
Coding change: c.82+2T>C on transcript NM_017416.2 (MANE Select); the canonical splice donor site of the intron after coding-DNA position 82, T replaced by C.
Molecular consequence: splice donor variant.
Genome position (GRCh38, 1-based): chrX:104,658,997, T>C. VCF-style: chrX-104658997-T-C. GRCh37 (hg19) VCF-style: chrX-103903678-T-C.
Identifiers: ClinVar variation 3771320 (VCV003771320.13).